The following is an entry in ClinVar:

ClinVar aggregate classification (germline): Likely benign. Review status: criteria provided, multiple submitters, no conflicts (2 of 4 stars). 2 submissions from 2 submitters: Likely benign (2). Last evaluated 2026-01-27.

Submissions (2):

Labcorp Genetics (formerly Invitae), Labcorp
Classification: Likely benign. Last evaluated: 2026-01-27. Review status: criteria provided, single submitter. Criteria: Invitae Variant Classification Sherloc (09022015). Collection method: clinical testing. Allele origin: germline.

CeGaT Center for Human Genetics Tuebingen
Classification: Likely benign. Last evaluated: 2026-01-01. Review status: criteria provided, single submitter. Criteria: CeGaT Center For Human Genetics Tuebingen Variant Classification Criteria Version 2. Collection method: clinical testing. Allele origin: germline. Affected: yes. Observed: 11 variant alleles.
Comment: FOXI3: BS2

NM_001135649.3(FOXI3):c.337GCGCCCGCC[3] (p.113APA[3])

Gene: FOXI3 (forkhead box I3; minus strand). Cytogenetic location: 2p11.2.
Variant type: Microsatellite.
Coding change: c.337GCGCCCGCC[3] on transcript NM_001135649.3 (MANE Select); three copies in a row of the 9-base unit GCGCCCGCC starting at c.337; the reference has two copies in a row; one copy, 9 bases duplicated.
Protein change: p.113APA[3].
Molecular consequence: inframe insertion.
Genome position (GRCh38, 1-based): chr2:88,452,182-88,452,190, GGCGGGCGC duplicated on the plus strand (GCGCCCGCC on the coding strand, the reverse complement: FOXI3 is on the minus strand); duplicating any 9 consecutive bases within chr2:88,452,182-88,452,201 gives the same sequence; the position shown is the placement nearest the transcript's 3' end. VCF-style (leftmost placement, unchanged base first): chr2-88452181-A-AGGCGGGCGC. GRCh37 (hg19) VCF-style: chr2-88751700-A-AGGCGGGCGC.
Identifiers: ClinVar variation 1054456 (VCV001054456.39), dbSNP rs757327073, ClinGen allele CA1754051.